The following is an entry in ClinVar:

NM_003265.3(TLR3):c.2399T>C (p.Leu800Pro)

Gene: TLR3 (toll like receptor 3; plus strand). Cytogenetic location: 4q35.1.
Variant type: single nucleotide variant.
Coding change: c.2399T>C on transcript NM_003265.3 (MANE Select); coding-DNA position 2399, T replaced by C.
Protein change: p.Leu800Pro; replaces leucine 800 with proline.
Molecular consequence: missense variant.
Genome position (GRCh38, 1-based): chr4:186,084,085, T>C. VCF-style: chr4-186084085-T-C. GRCh37 (hg19) VCF-style: chr4-187005239-T-C.
Other names: short protein forms L800P.
Identifiers: ClinVar variation 1940733 (VCV001940733.5), dbSNP rs565699355, ClinGen allele CA358937136.

ClinVar aggregate classification (germline): Uncertain significance (1 of 4 stars; one submission).

Conditions:
Encephalopathy, acute, infection-induced (herpes-specific), susceptibility to, 1. Also called: Herpes simplex encephalitis, susceptibility to, 1. Identifiers: Orphanet 1930, MedGen C2750180, MONDO:0024563, OMIM 610551.

Allele frequency attached by ClinVar (database versions not stated): gnomAD exomes below 0.00001.
gnomAD v4.1: 3 of 1,614,194 alleles (0.00019%); highest among the groups gnomAD compares: Non-Finnish European, 0.00025%; no homozygotes.

Submission:

Labcorp Genetics (formerly Invitae), Labcorp
Classification: Uncertain significance for Encephalopathy, acute, infection-induced (herpes-specific), susceptibility to, 1. Last evaluated: 2022-08-30. Review status: criteria provided, single submitter. Criteria: Invitae Variant Classification Sherloc (09022015). Collection method: clinical testing. Allele origin: germline.
Comment: Algorithms developed to predict the effect of missense changes on protein structure and function (SIFT, PolyPhen-2, Align-GVGD) all suggest that this variant is likely to be disruptive. This variant has not been reported in the literature in individuals affected with TLR3-related conditions. This variant is not present in population databases (gnomAD no frequency). This sequence change replaces leucine, which is neutral and non-polar, with proline, which is neutral and non-polar, at codon 800 of the TLR3 protein (p.Leu800Pro). In summary, the available evidence is currently insufficient to determine the role of this variant in disease. Therefore, it has been classified as a Variant of Uncertain Significance.